The following is an entry in ClinVar:

NM_006922.4(SCN3A):c.1173+5G>C

Gene: SCN3A (sodium voltage-gated channel alpha subunit 3; minus strand). Cytogenetic location: 2q24.3.
Variant type: single nucleotide variant.
Coding change: c.1173+5G>C on transcript NM_006922.4 (MANE Select); 5 bases into the intron after coding-DNA position 1173, G replaced by C.
Molecular consequence: intron variant.
Genome position (GRCh38, 1-based): chr2:165,155,757, C>G on the plus strand (G>C on the coding strand, the complement: SCN3A is on the minus strand). VCF-style: chr2-165155757-C-G. GRCh37 (hg19) VCF-style: chr2-166012267-C-G.
Other names: c.1173+5G>C (NM_001081677.2, NM_001081676.2).
Identifiers: ClinVar variation 3652104 (VCV003652104.2).

ClinVar aggregate classification (germline): Uncertain significance (1 of 4 stars; one submission).

gnomAD v4.1: 1 of 1,613,852 alleles (0.000062%); highest among the groups gnomAD compares: Non-Finnish European, 0.000085%; no homozygotes.

Submission:

Labcorp Genetics (formerly Invitae), Labcorp
Classification: Uncertain significance. Last evaluated: 2024-05-04. Review status: criteria provided, single submitter. Criteria: Invitae Variant Classification Sherloc (09022015). Collection method: clinical testing. Allele origin: germline.
Comment: This sequence change falls in intron 10 of the SCN3A gene. It does not directly change the encoded amino acid sequence of the SCN3A protein. It affects a nucleotide within the consensus splice site. This variant is present in population databases (no rsID available, gnomAD 0.0009%). This variant has not been reported in the literature in individuals affected with SCN3A-related conditions. Variants that disrupt the consensus splice site are a relatively common cause of aberrant splicing (PMID: 17576681, 9536098). Algorithms developed to predict the effect of sequence changes on RNA splicing suggest that this variant may disrupt the consensus splice site. In summary, the available evidence is currently insufficient to determine the role of this variant in disease. Therefore, it has been classified as a Variant of Uncertain Significance.

Literature cited by the submitters: PubMed 17576681; PubMed 9536098.